The following is an entry in ClinVar:

ClinVar aggregate classification (germline): Uncertain significance. Review status: criteria provided, multiple submitters, no conflicts (2 of 4 stars). 2 submissions from 2 submitters: Uncertain significance (2). Last evaluated 2023-07-18.

Conditions:
Glycogen storage disease IXd (GSD9D). Also called: Muscle Phosphorylase Kinase Deficiency; GSD IXd. Identifiers: Orphanet 715, MedGen C1845151, MONDO:0010362, OMIM 300559.

Allele frequency attached by ClinVar (database versions not stated): gnomAD exomes below 0.00001; TOPMed below 0.00001; gnomAD 0.00001.
gnomAD v4.1: 6 of 1,208,063 alleles (0.0005%); highest among the groups gnomAD compares: Non-Finnish European, 0.00067%; no homozygotes.

Submissions (2):

Labcorp Genetics (formerly Invitae), Labcorp
Classification: Uncertain significance for Glycogen storage disease IXd. Last evaluated: 2023-07-18. Review status: criteria provided, single submitter. Criteria: Invitae Variant Classification Sherloc (09022015). Collection method: clinical testing. Allele origin: germline.
Comment: Advanced modeling of protein sequence and biophysical properties (such as structural, functional, and spatial information, amino acid conservation, physicochemical variation, residue mobility, and thermodynamic stability) has been performed at Invitae for this missense variant, however the output from this modeling did not meet the statistical confidence thresholds required to predict the impact of this variant on PHKA1 protein function. In summary, the available evidence is currently insufficient to determine the role of this variant in disease. Therefore, it has been classified as a Variant of Uncertain Significance. ClinVar contains an entry for this variant (Variation ID: 1709275). This variant has not been reported in the literature in individuals affected with PHKA1-related conditions. This variant is present in population databases (no rsID available, gnomAD 0.001%). This sequence change replaces isoleucine, which is neutral and non-polar, with threonine, which is neutral and polar, at codon 582 of the PHKA1 protein (p.Ile582Thr).

MGZ Medical Genetics Center
Classification: Uncertain significance for Glycogen storage disease IXd. Last evaluated: 2022-05-03. Review status: criteria provided, single submitter. Criteria: ACMG Guidelines, 2015. Collection method: clinical testing. Allele origin: germline. Affected: yes. Observed: 1 variant allele.
Comment: ACMG criteria applied: PM2_SUP, PP3

NM_002637.4(PHKA1):c.1745T>C (p.Ile582Thr)

Gene: PHKA1 (phosphorylase kinase regulatory subunit alpha 1; minus strand). Cytogenetic location: Xq13.1.
Variant type: single nucleotide variant.
Coding change: c.1745T>C on transcript NM_002637.4 (MANE Select); coding-DNA position 1745, T replaced by C.
Protein change: p.Ile582Thr; replaces isoleucine 582 with threonine.
Molecular consequence: missense variant.
Genome position (GRCh38, 1-based): chrX:72,627,019, A>G on the plus strand (T>C on the coding strand, the complement: PHKA1 is on the minus strand). VCF-style: chrX-72627019-A-G. GRCh37 (hg19) VCF-style: chrX-71846869-A-G.
Other names: c.1745T>C, p.Ile582Thr (NM_001122670.2, NM_001172436.2); short protein forms I582T.
Identifiers: ClinVar variation 1709275 (VCV001709275.7), dbSNP rs1414168846, ClinGen allele CA413591795.